The following is an entry in ClinVar:

ClinVar aggregate classification (germline): Uncertain significance (1 of 4 stars; one submission).

Conditions:
Catecholaminergic polymorphic ventricular tachycardia (CVPT). Also called: Catecholamine-induced polymorphic ventricular tachycardia. Identifiers: Orphanet 3286, MedGen C5574922, MONDO:0017990.

Submission:

All of Us Research Program, National Institutes of Health
Classification: Uncertain significance for Catecholaminergic polymorphic ventricular tachycardia. Last evaluated: 2023-10-23. Review status: criteria provided, single submitter. Criteria: ACMG Guidelines, 2015. Collection method: clinical testing. Allele origin: germline. Inheritance: Autosomal dominant inheritance. Observed: 1 variant allele, 1 heterozygote.
Comment: This missense variant replaces histidine with tyrosine at codon 621 of the RYR2 protein. Computational prediction is inconclusive regarding the impact of this variant on protein structure and function (internally defined REVEL score threshold 0.5 < inconclusive < 0.7, PMID: 27666373). To our knowledge, functional studies have not been reported for this variant. This variant has not been reported in individuals affected with RYR2-related disorders in the literature. This variant has not been identified in the general population by the Genome Aggregation Database (gnomAD). The available evidence is insufficient to determine the role of this variant in disease conclusively. Therefore, this variant is classified as a Variant of Uncertain Significance.

This study involves interpretation of variants in research participants for the purpose of population health screening. Participant phenotype was not available at the time of variant classification. Additional details can be found in publication PMID: 35346344, PMCID: PMC8962531

NM_001035.3(RYR2):c.1861C>T (p.His621Tyr)

Gene: RYR2 (ryanodine receptor 2; plus strand). Cytogenetic location: 1q43.
Variant type: single nucleotide variant.
Coding change: c.1861C>T on transcript NM_001035.3 (MANE Select); coding-DNA position 1861, C replaced by T.
Protein change: p.His621Tyr; replaces histidine 621 with tyrosine.
Molecular consequence: missense variant.
Genome position (GRCh38, 1-based): chr1:237,492,987, C>T. VCF-style: chr1-237492987-C-T. GRCh37 (hg19) VCF-style: chr1-237656287-C-T.
Other names: short protein forms H621Y.
Identifiers: ClinVar variation 3074087 (VCV003074087.1), dbSNP rs2545802626, ClinGen allele CA345389350.